The following is an entry in ClinVar:

ClinVar aggregate classification (germline): Benign (0 of 4 stars; one submission).

Conditions:
KLK3-related disorder. Also called: KLK3-related condition.

Allele frequency attached by ClinVar (database versions not stated): ExAC 0.01074; gnomAD 0.03177; 1000 Genomes Project 0.03594; ESP Exome Variant Server 0.03614; TOPMed 0.03654; 1000 Genomes Project 30x 0.03685.
gnomAD v4.1: 10,198 of 1,613,316 alleles (0.63%); highest among the groups gnomAD compares: African/African-American, 11%; 493 homozygotes.

Submission:

PreventionGenetics, part of Exact Sciences
Classification: Benign for KLK3-related condition. Last evaluated: 2019-10-15. Review status: no assertion criteria provided. Collection method: clinical testing. Allele origin: germline.
Comment: This variant is classified as benign based on ACMG/AMP sequence variant interpretation guidelines (Richards et al. 2015 PMID: 25741868, with internal and published modifications).

NM_001648.2(KLK3):c.631-424G>A

Gene: KLK3 (kallikrein related peptidase 3; plus strand). Cytogenetic location: 19q13.33.
Variant type: single nucleotide variant.
Coding change: c.631-424G>A on transcript NM_001648.2 (MANE Select); 424 bases into the intron before coding-DNA position 631, G replaced by A.
Molecular consequence: intron variant. On other transcripts: missense variant (1).
Genome position (GRCh38, 1-based): chr19:50,859,548, G>A. VCF-style: chr19-50859548-G-A. GRCh37 (hg19) VCF-style: chr19-51362804-G-A.
Other names: c.649G>A, p.Glu217Lys (NM_001030047.1); c.502-424G>A (NM_001030048.1); short protein forms E217K.
Identifiers: ClinVar variation 3057205 (VCV003057205.2), dbSNP rs73932617, ClinGen allele CA9604548.